The following is an entry in ClinVar:

NM_024596.5(MCPH1):c.23-1G>C

Gene: MCPH1 (microcephalin 1; plus strand). Cytogenetic location: 8p23.1.
Variant type: single nucleotide variant.
Coding change: c.23-1G>C on transcript NM_024596.5 (MANE Select); the canonical splice acceptor site of the intron before coding-DNA position 23, G replaced by C.
Molecular consequence: splice acceptor variant. On other transcripts: intron variant (1).
Genome position (GRCh38, 1-based): chr8:6,409,278, G>C. VCF-style: chr8-6409278-G-C. GRCh37 (hg19) VCF-style: chr8-6266799-G-C.
Other names: c.23-1G>C (NM_001322042.2, NM_001363980.2, NM_001363979.1 and 4 more transcripts); c.23-7G>C (NM_001322043.2); c.-80-1G>C (NM_001322045.2).
Identifiers: ClinVar variation 982600 (VCV000982600.2), dbSNP rs1269068071, ClinGen allele CA370215277.

ClinVar aggregate classification (germline): Likely pathogenic (1 of 4 stars; one submission).

Conditions:
Microcephaly 1, primary, autosomal recessive (MCPH1). Also called: PREMATURE CHROMOSOME CONDENSATION SYNDROME; PCC SYNDROME; PREMATURE CHROMOSOME CONDENSATION WITH MICROCEPHALY AND MENTAL RETARDATION. Identifiers: Orphanet 2512, MedGen C1855081, MONDO:0009617, OMIM 251200.

gnomAD v4.1: 3 of 1,610,102 alleles (0.00019%); highest among the groups gnomAD compares: Non-Finnish European, 0.00026%; no homozygotes.

Submission:

Institute of Human Genetics, University of Leipzig Medical Center
Classification: Likely pathogenic for Microcephaly 1, primary, autosomal recessive. Last evaluated: 2023-01-17. Review status: criteria provided, single submitter. Criteria: ACMG Guidelines, 2015. Collection method: clinical testing. Allele origin: unknown. Inheritance: Autosomal recessive inheritance. Affected: yes.
Comment: Criteria applied: PVS1, PM2_SUP